The following is an entry in ClinVar:

ClinVar aggregate classification (germline): Uncertain significance. Review status: criteria provided, multiple submitters, no conflicts (2 of 4 stars). 4 submissions from 4 submitters: Uncertain significance (3). 1 of the submissions does not count toward it. Last evaluated 2025-06-18.

Conditions:
Hereditary cancer-predisposing syndrome. Also called: Hereditary neoplastic syndrome; Neoplastic Syndromes, Hereditary; Hereditary Cancer Syndrome; Tumor predisposition. Identifiers: Orphanet 140162, MedGen C0027672, MeSH D009386, MONDO:0015356.
KIT-related disorder. Also called: KIT-related condition.
Gastrointestinal stromal tumor. Also called: Gastrointestinal stromal tumor, somatic; Gastrointestinal stroma tumor. Identifiers: Orphanet 44890, MedGen C0238198, MeSH D046152, MONDO:0011719, OMIM 606764, HP:0100723.

Allele frequency attached by ClinVar (database versions not stated): gnomAD 0.00001; TOPMed 0.00001; gnomAD exomes below 0.00001.
gnomAD v4.1: 3 of 1,614,032 alleles (0.00019%); highest among the groups gnomAD compares: African/African-American, 0.004%; no homozygotes.

Submissions (4):

Labcorp Genetics (formerly Invitae), Labcorp
Classification: Uncertain significance for Gastrointestinal stromal tumor. Last evaluated: 2025-06-18. Review status: criteria provided, single submitter. Criteria: Invitae Variant Classification Sherloc (09022015). Collection method: clinical testing. Allele origin: germline.
Comment: This sequence change replaces methionine, which is neutral and non-polar, with isoleucine, which is neutral and non-polar, at codon 552 of the KIT protein (p.Met552Ile). This variant is not present in population databases (gnomAD no frequency). This variant has not been reported in the literature in individuals affected with KIT-related conditions. ClinVar contains an entry for this variant (Variation ID: 939321). An algorithm developed to predict the effect of missense changes on protein structure and function (PolyPhen-2) suggests that this variant is likely to be tolerated. In summary, the available evidence is currently insufficient to determine the role of this variant in disease. Therefore, it has been classified as a Variant of Uncertain Significance.

Ambry Genetics
Classification: Uncertain significance for Hereditary cancer-predisposing syndrome. Last evaluated: 2024-02-15. Review status: criteria provided, single submitter. Criteria: Ambry Variant Classification Scheme 2023. Collection method: clinical testing. Allele origin: germline.
Comment: The p.M552I variant (also known as c.1656G>A), located in coding exon 11 of the KIT gene, results from a G to A substitution at nucleotide position 1656. The methionine at codon 552 is replaced by isoleucine, an amino acid with highly similar properties. This amino acid position is not well conserved in available vertebrate species. In addition, the in silico prediction for this alteration is inconclusive. Based on the available evidence, the clinical significance of this alteration remains unclear.

Sema4
Classification: Uncertain significance for Hereditary cancer-predisposing syndrome. Last evaluated: 2021-07-08. Review status: criteria provided, single submitter. Criteria: Sema4 Curation Guidelines. Collection method: curation. Allele origin: germline.
Comment: The KIT c.1656G>A (p.M552I) variant has not been reported in the literature to our knowledge. It was not observed in the Genome Aggregation Database (PMID: 32461654). The variant has been reported in ClinVar (Variation ID: 939321). In silico tools suggest the impact of the variant on protein function is inconclusive, though these predictions have not been confirmed by functional studies. The evidence is insufficient to meet ACMG/AMP criteria for classifying the variant as benign or pathogenic. Thus, the clinical significance of this variant is currently uncertain.

PreventionGenetics, part of Exact Sciences
Classification: Uncertain significance for KIT-related condition. Last evaluated: 2023-12-26. Review status: no assertion criteria provided. Collection method: clinical testing. Allele origin: germline. Not counted in ClinVar's aggregate classification.
Comment: The KIT c.1656G>A variant is predicted to result in the amino acid substitution p.Met552Ile. To our knowledge, this variant has not been reported in the literature in individuals with inherited KIT-related conditions. It has not been reported in a large population database, indicating this variant is rare. It is interpreted as a variant of uncertain significance in ClinVar. At this time, the clinical significance of this variant is uncertain due to the absence of conclusive functional and genetic evidence.

NM_000222.3(KIT):c.1656G>A (p.Met552Ile)

Gene: KIT (KIT proto-oncogene, receptor tyrosine kinase; plus strand). Cytogenetic location: 4q12.
Variant type: single nucleotide variant.
Coding change: c.1656G>A on transcript NM_000222.3 (MANE Select); coding-DNA position 1656, G replaced by A.
Protein change: p.Met552Ile; replaces methionine 552 with isoleucine.
Molecular consequence: missense variant.
Genome position (GRCh38, 1-based): chr4:54,727,424, G>A. VCF-style: chr4-54727424-G-A. GRCh37 (hg19) VCF-style: chr4-55593590-G-A.
Other names: c.1644G>A, p.Met548Ile (NM_001093772.2, NM_001385286.1); c.1659G>A, p.Met553Ile (NM_001385284.1, NM_001385290.1); c.1656G>A, p.Met552Ile (NM_001385285.1); c.1647G>A, p.Met549Ile (NM_001385288.1, NM_001385292.1); short protein forms M552I, M548I, M549I, M553I.
Identifiers: ClinVar variation 939321 (VCV000939321.10), dbSNP rs1482011071, ClinGen allele CA356907431.